The following is an entry in ClinVar:

ClinVar aggregate classification (germline): Likely benign (0 of 4 stars; one submission).

Conditions:
GON7-related disorder. Also called: GON7-related condition.

Allele frequency attached by ClinVar (database versions not stated): ExAC 0.00017; gnomAD 0.00051; TOPMed 0.00056; ESP Exome Variant Server 0.00091; 1000 Genomes Project 0.00100; 1000 Genomes Project 30x 0.00141.
gnomAD v4.1: 192 of 1,613,512 alleles (0.012%); highest among the groups gnomAD compares: African/African-American, 0.17%; no homozygotes.

Submission:

PreventionGenetics, part of Exact Sciences
Classification: Likely benign for GON7-related condition. Last evaluated: 2022-12-19. Review status: no assertion criteria provided. Collection method: clinical testing. Allele origin: germline.
Comment: This variant is classified as likely benign based on ACMG/AMP sequence variant interpretation guidelines (Richards et al. 2015 PMID: 25741868, with internal and published modifications).

NM_032490.5(GON7):c.297G>A (p.Pro99=)

Gene: GON7 (GON7 subunit of KEOPS complex; minus strand). Cytogenetic location: 14q32.12.
Variant type: single nucleotide variant.
Coding change: c.297G>A on transcript NM_032490.5 (MANE Select); coding-DNA position 297, G replaced by A.
Protein change: p.Pro99=; no amino-acid change (proline 99 retained).
Molecular consequence: synonymous variant.
Genome position (GRCh38, 1-based): chr14:93,203,694, C>T on the plus strand (G>A on the coding strand, the complement: GON7 is on the minus strand). VCF-style: chr14-93203694-C-T. GRCh37 (hg19) VCF-style: chr14-93670039-C-T.
Identifiers: ClinVar variation 3054806 (VCV003054806.2), dbSNP rs114819010, ClinGen allele CA7319608.